The following is an entry in ClinVar:

ClinVar aggregate classification (germline): Uncertain significance (1 of 4 stars; one submission).

Conditions:
Cardiovascular phenotype. Identifiers: MedGen CN230736.
Hereditary cancer-predisposing syndrome. Also called: Tumor predisposition; Hereditary neoplastic syndrome; Hereditary Cancer Syndrome; Neoplastic Syndromes, Hereditary. Identifiers: Orphanet 140162, MedGen C0027672, MeSH D009386, MONDO:0015356.

Submission:

Ambry Genetics
Classification: Uncertain significance for Cardiovascular phenotype; Hereditary cancer-predisposing syndrome. Last evaluated: 2025-04-09. Review status: criteria provided, single submitter. Criteria: Ambry Variant Classification Scheme 2023. Collection method: clinical testing. Allele origin: germline.
Comment: The c.285_287delCCT variant (also known as p.L96del) is located in coding exon 3 of the LZTR1 gene. This variant results from an in-frame CCT deletion at nucleotide positions 285 to 287. This results in the in-frame deletion of a leucine at codon 96. This amino acid position is highly conserved in available vertebrate species. In addition, this alteration is predicted to be deleterious by in silico analysis (Choi Y et al. PLoS ONE. 2012; 7(10):e46688). Based on the available evidence, the clinical significance of this variant remains unclear.

NM_006767.4(LZTR1):c.282CCT[1] (p.Leu96del)

Gene: LZTR1 (leucine zipper like post translational regulator 1; plus strand). Cytogenetic location: 22q11.21.
Variant type: Microsatellite.
Coding change: c.282CCT[1] on transcript NM_006767.4 (MANE Select); one copy of the 3-base unit CCT starting at c.282; the reference has two copies in a row; one copy, 3 bases deleted.
Protein change: p.Leu96del; deletes leucine 96.
Genome position (GRCh38, 1-based): chr22:20,985,862-20,985,864, CCT deleted; deleting any 3 consecutive bases within chr22:20,985,859-20,985,864 gives the same sequence; the position shown is the placement nearest the transcript's 3' end. VCF-style (leftmost placement, unchanged base first): chr22-20985858-ACCT-A. GRCh37 (hg19) VCF-style: chr22-21340147-ACCT-A.
Other names: short protein forms L96del.
Identifiers: ClinVar variation 3972462 (VCV003972462.1).